The following is an entry in ClinVar:

ClinVar aggregate classification (germline): Benign/Likely benign. Review status: criteria provided, multiple submitters, no conflicts (2 of 4 stars). 27 submissions from 20 submitters: Benign (16); Likely benign (6). 5 of the submissions do not count toward it. Last evaluated 2026-02-03.

Conditions:
TTN-related disorder. Also called: TTN-related disorders; TTN-related condition; TTN-related disease.
Cardiovascular phenotype. Identifiers: MedGen CN230736.
Autosomal recessive limb-girdle muscular dystrophy type 2J (LGMDR10). Also called: Limb-girdle muscular dystrophy, type 2J; MUSCULAR DYSTROPHY, LIMB-GIRDLE, AUTOSOMAL RECESSIVE 10. Identifiers: Orphanet 140922, MedGen C1837342, MONDO:0012127, OMIM 608807.
Dilated cardiomyopathy 1G (CMD1G). Identifiers: Orphanet 154, MedGen C1858763, MONDO:0011400, OMIM 604145.
Cardiomyopathy (CMYO). Also called: Cardiomyopathies. Identifiers: Orphanet 167848, MedGen C0878544, MONDO:0004994, HP:0001638. Inheritance: Various modes of inheritance.
Early-onset myopathy with fatal cardiomyopathy (CMYO5). Also called: Salih Myopathy; CONGENITAL MYOPATHY 5 WITH CARDIOMYOPATHY. Identifiers: Orphanet 289377, MedGen C2673677, MONDO:0012714, OMIM 611705. Disease mechanism: loss of function.
Myopathy, myofibrillar, 9, with early respiratory failure (MFM9). Also called: EDSTROM MYOPATHY; MYOPATHY, PROXIMAL, WITH EARLY RESPIRATORY MUSCLE INVOLVEMENT; Hereditary myopathy with early respiratory failure; Myopathy, distal, with early respiratory failure, autosomal dominant. Identifiers: Orphanet 178464, Orphanet 34521, MedGen C1863599, MONDO:0011362, OMIM 603689.
Tibial muscular dystrophy (TMD). Also called: Udd Distal Myopathy – Tibial Muscular Dystrophy; UDD MYOPATHY; Tibial muscular dystrophy, tardive. Identifiers: Orphanet 609, MedGen C1838244, MONDO:0010870, OMIM 600334.

Allele frequency attached by ClinVar (database versions not stated): TOPMed 0.00329; gnomAD 0.00343 and 0.00397; 1000 Genomes Project 0.00599; gnomAD exomes 0.00599 and 0.00644; ExAC 0.00639; ESP Exome Variant Server 0.00439; 1000 Genomes Project 30x 0.00531.
gnomAD v4.1: 9,961 of 1,613,560 alleles (0.62%); highest among the groups gnomAD compares: South Asian, 2.3%; 67 homozygotes.

Submissions (27):

Labcorp Genetics (formerly Invitae), Labcorp
Classification: Benign for Dilated cardiomyopathy 1G; Autosomal recessive limb-girdle muscular dystrophy type 2J. Last evaluated: 2026-02-03. Review status: criteria provided, single submitter. Criteria: Invitae Variant Classification Sherloc (09022015). Collection method: clinical testing. Allele origin: germline.

ARUP Laboratories, Molecular Genetics and Genomics, ARUP Laboratories
Classification: Benign. Last evaluated: 2025-06-23. Review status: criteria provided, single submitter. Criteria: ARUP Molecular Germline Variant Investigation Process 2024. Collection method: clinical testing. Allele origin: germline.

Molecular Diagnostic Laboratory for Inherited Cardiovascular Disease, Montreal Heart Institute
Classification: Benign. Last evaluated: 2025-04-09. Review status: criteria provided, single submitter. Criteria: ACMG Guidelines, 2015. Collection method: clinical testing. Allele origin: germline. Affected: no.

Athena Diagnostics
Classification: Benign. Last evaluated: 2024-12-13. Review status: criteria provided, single submitter. Criteria: Athena Diagnostics Criteria. Collection method: clinical testing. Allele origin: unknown.
Comment: The frequency of this variant in the general population is higher than would generally be expected for pathogenic variants in this gene.

Blueprint Genetics
Classification: Likely benign. Last evaluated: 2024-11-25. Review status: criteria provided, single submitter. Criteria: ACMG Guidelines, 2015. Collection method: clinical testing. Allele origin: germline.

Mayo Clinic Laboratories, Mayo Clinic
Classification: Benign. Last evaluated: 2022-09-15. Review status: criteria provided, single submitter. Criteria: ACMG Guidelines, 2015. Collection method: clinical testing. Allele origin: germline. Observed: 24 variant alleles.
Comment: BS1, BS2, BP4, BP7

Genome-Nilou Lab
Classification: Benign for Autosomal recessive limb-girdle muscular dystrophy type 2J. Last evaluated: 2021-09-10. Review status: criteria provided, single submitter. Criteria: ACMG Guidelines, 2015. Collection method: clinical testing. Allele origin: germline. Affected: no.

Genome-Nilou Lab
Classification: Benign for Myopathy, myofibrillar, 9, with early respiratory failure. Last evaluated: 2021-09-10. Review status: criteria provided, single submitter. Criteria: ACMG Guidelines, 2015. Collection method: clinical testing. Allele origin: germline. Affected: no.

Genome-Nilou Lab
Classification: Benign for Early-onset myopathy with fatal cardiomyopathy. Last evaluated: 2021-09-10. Review status: criteria provided, single submitter. Criteria: ACMG Guidelines, 2015. Collection method: clinical testing. Allele origin: germline. Affected: no.

Genome-Nilou Lab
Classification: Benign for Tibial muscular dystrophy. Last evaluated: 2021-09-10. Review status: criteria provided, single submitter. Criteria: ACMG Guidelines, 2015. Collection method: clinical testing. Allele origin: germline. Affected: no.

Women's Health and Genetics/Laboratory Corporation of America, LabCorp
Classification: Benign. Last evaluated: 2021-04-25. Review status: criteria provided, single submitter. Criteria: LabCorp Variant Classification Summary - May 2015. Collection method: clinical testing. Allele origin: germline.

Illumina Laboratory Services, Illumina
Classification: Benign for Myopathy, myofibrillar, 9, with early respiratory failure. Last evaluated: 2018-01-13. Review status: criteria provided, single submitter. Criteria: ICSL Variant Classification Criteria 13 December 2019. Collection method: clinical testing. Allele origin: germline.
Comment: This variant was observed in the ICSL laboratory as part of a predisposition screen in an ostensibly healthy population. It had not been previously curated by ICSL or reported in the Human Gene Mutation Database (HGMD: prior to June 1st, 2018), and was therefore a candidate for classification through an automated scoring system. Utilizing variant allele frequency, disease prevalence and penetrance estimates, and inheritance mode, an automated score was calculated to assess if this variant is too frequent to cause the disease. Based on the score and internal cut-off values, a variant classified as benign is not then subjected to further curation. The score for this variant resulted in a classification of benign for this disease.

Illumina Laboratory Services, Illumina
Classification: Likely benign for Autosomal recessive limb-girdle muscular dystrophy type 2J. Last evaluated: 2018-01-13. Review status: criteria provided, single submitter. Criteria: ICSL Variant Classification Criteria 13 December 2019. Collection method: clinical testing. Allele origin: germline.
Comment: This variant was observed in the ICSL laboratory as part of a predisposition screen in an ostensibly healthy population. It had not been previously curated by ICSL or reported in the Human Gene Mutation Database (HGMD: prior to June 1st, 2018), and was therefore a candidate for classification through an automated scoring system. Utilizing variant allele frequency, disease prevalence and penetrance estimates, and inheritance mode, an automated score was calculated to assess if this variant is too frequent to cause the disease. Based on the score and internal cut-off values, a variant classified as likely benign is not then subjected to further curation. The score for this variant resulted in a classification of likely benign for this disease.

Illumina Laboratory Services, Illumina
Classification: Likely benign for Dilated cardiomyopathy 1G. Last evaluated: 2018-01-13. Review status: criteria provided, single submitter. Criteria: ICSL Variant Classification Criteria 13 December 2019. Collection method: clinical testing. Allele origin: germline.
Comment: the same text as in the submission from Illumina Laboratory Services, Illumina above.

Illumina Laboratory Services, Illumina
Classification: Benign for Tibial muscular dystrophy. Last evaluated: 2018-01-13. Review status: criteria provided, single submitter. Criteria: ICSL Variant Classification Criteria 13 December 2019. Collection method: clinical testing. Allele origin: germline.
Comment: the same text as in the submission from Illumina Laboratory Services, Illumina above.

Illumina Laboratory Services, Illumina
Classification: Likely benign for Early-onset myopathy with fatal cardiomyopathy. Last evaluated: 2018-01-13. Review status: criteria provided, single submitter. Criteria: ICSL Variant Classification Criteria 13 December 2019. Collection method: clinical testing. Allele origin: germline.
Comment: the same text as in the submission from Illumina Laboratory Services, Illumina above.

CHEO Genetics Diagnostic Laboratory, Children's Hospital of Eastern Ontario
Classification: Benign for Cardiomyopathy. Last evaluated: 2016-08-25. Review status: criteria provided, single submitter. Criteria: ACMG Guidelines, 2015. Collection method: clinical testing. Allele origin: germline. Study: Canadian Open Genetics Repository.

Eurofins Ntd Llc (ga)
Classification: Benign. Last evaluated: 2015-06-24. Review status: criteria provided, single submitter. Criteria: EGL Classification Definitions 2015. Collection method: clinical testing. Allele origin: germline. Observed: 1 variant allele, 1 heterozygote.

GeneDx
Classification: Benign. Last evaluated: 2013-03-18. Review status: criteria provided, single submitter. Criteria: GeneDx Variant Classification (06012015). Collection method: clinical testing. Allele origin: germline. Affected: yes.
Comment: This variant is considered likely benign or benign based on one or more of the following criteria: it is a conservative change, it occurs at a poorly conserved position in the protein, it is predicted to be benign by multiple in silico algorithms, and/or has population frequency not consistent with disease.

Ambry Genetics
Classification: Likely benign for Cardiovascular phenotype. Last evaluated: 2012-11-28. Review status: criteria provided, single submitter. Criteria: Ambry Autosomal Dominant and X-Linked criteria (10/2015). Collection method: clinical testing. Allele origin: germline. Observed: 1 variant allele.

Laboratory for Molecular Medicine, Mass General Brigham Personalized Medicine
Classification: Benign. Last evaluated: 2012-03-05. Review status: criteria provided, single submitter. Criteria: LMM Criteria. Collection method: clinical testing. Allele origin: germline. Observed: 22 variant alleles.
Comment: Lys22579Lys in exon 275 in TTN: This variant is not expected to have clinical si gnificance because it does not alter an amino acid residue and has been identifi ed in 0.6% (43/6646) of European American chromosomes from a broad population by the NHLBI Exome Sequencing Project (dbSNP rs5 6151652).

Breakthrough Genomics
Classification: Likely benign. Review status: criteria provided, single submitter. Criteria: ACMG Guidelines, 2015. Collection method: not provided. Allele origin: germline. Inheritance: Autosomal recessive inheritance. Affected: yes.

PreventionGenetics, part of Exact Sciences
Classification: Benign for TTN-related condition. Last evaluated: 2019-05-13. Review status: no assertion criteria provided. Collection method: clinical testing. Allele origin: germline. Not counted in ClinVar's aggregate classification.
Comment: This variant is classified as benign based on ACMG/AMP sequence variant interpretation guidelines (Richards et al. 2015 PMID: 25741868, with internal and published modifications).

Clinical Genetics DNA and cytogenetics Diagnostics Lab, Erasmus MC, Erasmus Medical Center
Classification: Likely benign. Review status: no assertion criteria provided. Collection method: clinical testing. Allele origin: germline. Affected: yes. Study: VKGL Data-share Consensus. Not counted in ClinVar's aggregate classification.

Clinical Genetics, Academic Medical Center
Classification: Benign. Review status: no assertion criteria provided. Collection method: clinical testing. Allele origin: germline. Affected: yes. Study: VKGL Data-share Consensus. Not counted in ClinVar's aggregate classification.

Diagnostic Laboratory, Department of Genetics, University Medical Center Groningen
Classification: Likely benign. Review status: no assertion criteria provided. Collection method: clinical testing. Allele origin: germline. Affected: yes. Study: VKGL Data-share Consensus. Not counted in ClinVar's aggregate classification.

Joint Genome Diagnostic Labs from Nijmegen and Maastricht, Radboudumc and MUMC+
Classification: Benign. Review status: no assertion criteria provided. Collection method: clinical testing. Allele origin: germline. Affected: yes. Study: VKGL Data-share Consensus. Not counted in ClinVar's aggregate classification.

NM_001267550.2(TTN):c.75441A>G (p.Lys25147=)

Genes: TTN-AS1 (TTN antisense RNA 1; plus strand), TTN (titin; minus strand). Cytogenetic location: 2q31.2.
Variant type: single nucleotide variant.
Coding change: c.75441A>G on transcript NM_001267550.2 (MANE Select); coding-DNA position 75441, A replaced by G.
Protein change: p.Lys25147=; no amino-acid change (lysine 25147 retained).
Molecular consequence: synonymous variant.
Genome position (GRCh38, 1-based): chr2:178,570,691, T>C on the plus strand (A>G on the coding strand, the complement: TTN is on the minus strand). VCF-style: chr2-178570691-T-C. GRCh37 (hg19) VCF-style: chr2-179435418-T-C.
Other names: p.K23506K:AAA>AAG; p.Lys23506=; c.48246A>G, p.Lys16082= (NM_003319.4); c.48621A>G, p.Lys16207= (NM_133432.3); c.48822A>G, p.Lys16274= (NM_133437.4); c.70518A>G, p.Lys23506= (NM_001256850.1); c.67737A>G, p.Lys22579= (NM_133378.4).
Identifiers: ClinVar variation 47338 (VCV000047338.54), dbSNP rs56151652, ClinGen allele CA283761.
Genomic context (GRCh38, chr2:178,570,691, plus strand): 5'-GGTGGCAAAGTCGGTGCTCTTTATTTCTAATCGAGCTGTGTTTGAAAGCTCCTGATCACC[T>C]TTTATCCACTGAATGGTTGGTATTGGTTTGCCATAAATATCTGCATCAACCTTGAATGAT-3'
Protein context (NP_001254479.2, residues 25137-25157): GKPIPTIQWI[Lys25147=]GDQELSNTAR